The following is an entry in ClinVar:

NM_177438.3(DICER1):c.3301T>C (p.Ser1101Pro)

Gene: DICER1 (dicer 1, ribonuclease III; minus strand). Cytogenetic location: 14q32.13.
Variant type: single nucleotide variant.
Coding change: c.3301T>C on transcript NM_177438.3 (MANE Select); coding-DNA position 3301, T replaced by C.
Protein change: p.Ser1101Pro; replaces serine 1101 with proline.
Molecular consequence: missense variant.
Genome position (GRCh38, 1-based): chr14:95,104,095, A>G on the plus strand (T>C on the coding strand, the complement: DICER1 is on the minus strand). VCF-style: chr14-95104095-A-G. GRCh37 (hg19) VCF-style: chr14-95570432-A-G.
Other names: c.3301T>C, p.Ser1101Pro (NM_001195573.1, NM_001271282.3, NM_001291628.2 and 1 more transcripts); short protein forms S1101P.
Identifiers: ClinVar variation 1014581 (VCV001014581.10), dbSNP rs1891192866, ClinGen allele CA390876000.

ClinVar aggregate classification (germline): Uncertain significance (1 of 4 stars; one submission).

Conditions:
DICER1-related tumor predisposition. Also called: DICER1-related pleuropulmonary blastoma cancer predisposition syndrome; DICER1 syndrome. Identifiers: Orphanet 284343, MedGen C3839822, MONDO:0100216.

Submission:

Labcorp Genetics (formerly Invitae), Labcorp
Classification: Uncertain significance for DICER1-related tumor predisposition. Last evaluated: 2020-01-14. Review status: criteria provided, single submitter. Criteria: Invitae Variant Classification Sherloc (09022015). Collection method: clinical testing. Allele origin: germline.
Comment: This sequence change replaces serine with proline at codon 1101 of the DICER1 protein (p.Ser1101Pro). The serine residue is highly conserved and there is a moderate physicochemical difference between serine and proline. This variant is not present in population databases (ExAC no frequency). This variant has not been reported in the literature in individuals with DICER1-related conditions. Algorithms developed to predict the effect of missense changes on protein structure and function are either unavailable or do not agree on the potential impact of this missense change (SIFT: "Deleterious"; PolyPhen-2: "Probably Damaging"; Align-GVGD: "Class C0"). In summary, the available evidence is currently insufficient to determine the role of this variant in disease. Therefore, it has been classified as a Variant of Uncertain Significance.